The following is an entry in ClinVar:

ClinVar aggregate classification (germline): Uncertain significance (1 of 4 stars; one submission).

Conditions:
DICER1-related tumor predisposition. Also called: DICER1-related pleuropulmonary blastoma cancer predisposition syndrome; DICER1 syndrome. Identifiers: Orphanet 284343, MedGen C3839822, MONDO:0100216.

Submission:

Labcorp Genetics (formerly Invitae), Labcorp
Classification: Uncertain significance for DICER1-related tumor predisposition. Last evaluated: 2023-10-19. Review status: criteria provided, single submitter. Criteria: Invitae Variant Classification Sherloc (09022015). Collection method: clinical testing. Allele origin: germline.
Comment: This sequence change replaces proline, which is neutral and non-polar, with alanine, which is neutral and non-polar, at codon 794 of the DICER1 protein (p.Pro794Ala). This variant is not present in population databases (gnomAD no frequency). This variant has not been reported in the literature in individuals affected with DICER1-related conditions. Advanced modeling of protein sequence and biophysical properties (such as structural, functional, and spatial information, amino acid conservation, physicochemical variation, residue mobility, and thermodynamic stability) performed at Invitae indicates that this missense variant is not expected to disrupt DICER1 protein function. In summary, the available evidence is currently insufficient to determine the role of this variant in disease. Therefore, it has been classified as a Variant of Uncertain Significance.

NM_177438.3(DICER1):c.2380C>G (p.Pro794Ala)

Gene: DICER1 (dicer 1, ribonuclease III; minus strand). Cytogenetic location: 14q32.13.
Variant type: single nucleotide variant.
Coding change: c.2380C>G on transcript NM_177438.3 (MANE Select); coding-DNA position 2380, C replaced by G.
Protein change: p.Pro794Ala; replaces proline 794 with alanine.
Molecular consequence: missense variant. On other transcripts: non-coding transcript variant (6).
Genome position (GRCh38, 1-based): chr14:95,108,380, G>C on the plus strand (C>G on the coding strand, the complement: DICER1 is on the minus strand). VCF-style: chr14-95108380-G-C. GRCh37 (hg19) VCF-style: chr14-95574717-G-C.
Other names: c.2380C>G, p.Pro794Ala (NM_001195573.1, NM_001271282.3, NM_001291628.2 and 13 more transcripts); c.2098C>G, p.Pro700Ala (NM_001395686.1); c.1975C>G, p.Pro659Ala (NM_001395687.1, NM_001395688.1, NM_001395689.1 and 2 more transcripts); c.1813C>G, p.Pro605Ala (NM_001395691.1); c.697C>G, p.Pro233Ala (NM_001395697.1); short protein forms P659A, P605A, P700A, P794A, P233A.
Identifiers: ClinVar variation 2770047 (VCV002770047.3), dbSNP rs1060503620, ClinGen allele CA390882168.
Genomic context (GRCh38, chr14:95,108,380, plus strand): 5'-CTACCTGAGGTATGGGTTTGGCCGTCAGTATTCCAAAGCATCTTGTGGTATCTTCAGGAG[G>C]ATAGAGCTTCCGCCTTCTAAAGTTGAGTTCATCAGGTAAAGGTGTAGTTAAAACCATTCC-3'
Protein context (NP_803187.1, residues 784-804): ELNFRRRKLY[Pro794Ala]PEDTTRCFGI